The following is an entry in ClinVar:

ClinVar aggregate classification (germline): Uncertain significance. Review status: criteria provided, single submitter (1 of 4 stars). 2 submissions from 2 submitters: Uncertain significance (1). 1 of the submissions does not count toward it. Last evaluated 2024-12-02.

Conditions:
Retinal dystrophy. Also called: Inherited retinal dystrophy. Identifiers: Orphanet 71862, MedGen C0854723, MeSH D058499, MONDO:0019118, HP:0000556.
Retinitis pigmentosa 12 (RP12). Also called: RP WITH OR WITHOUT PPRPE; RP WITH OR WITHOUT PRESERVED PARAARTERIOLE RETINAL PIGMENT EPITHELIUM; RETINITIS PIGMENTOSA WITH OR WITHOUT PARAARTERIOLAR PRESERVATION OF RETINAL PIGMENT EPITHELIUM. Identifiers: Orphanet 791, MedGen C1838647, MONDO:0010818, OMIM 600105.
Leber congenital amaurosis 8 (LCA8). Identifiers: Orphanet 65, MedGen C3151202, MONDO:0013453, OMIM 613835.

Allele frequency attached by ClinVar (database versions not stated): gnomAD exomes 0.00001; gnomAD 0.00002; ExAC 0.00004.
gnomAD v4.1: 24 of 1,614,110 alleles (0.0015%); highest among the groups gnomAD compares: Middle Eastern, 0.049%; no homozygotes.

Submissions (2):

Labcorp Genetics (formerly Invitae), Labcorp
Classification: Uncertain significance for Leber congenital amaurosis 8; Retinitis pigmentosa 12. Last evaluated: 2024-12-02. Review status: criteria provided, single submitter. Criteria: Invitae Variant Classification Sherloc (09022015). Collection method: clinical testing. Allele origin: germline.
Comment: This sequence change replaces aspartic acid, which is acidic and polar, with asparagine, which is neutral and polar, at codon 184 of the CRB1 protein (p.Asp184Asn). This variant is present in population databases (rs780611058, gnomAD 0.009%). This variant has not been reported in the literature in individuals affected with CRB1-related conditions. ClinVar contains an entry for this variant (Variation ID: 2153864). Invitae Evidence Modeling of protein sequence and biophysical properties (such as structural, functional, and spatial information, amino acid conservation, physicochemical variation, residue mobility, and thermodynamic stability) has been performed for this missense variant. However, the output from this modeling did not meet the statistical confidence thresholds required to predict the impact of this variant on CRB1 protein function. In summary, the available evidence is currently insufficient to determine the role of this variant in disease. Therefore, it has been classified as a Variant of Uncertain Significance.

Institute of Human Genetics, Univ. Regensburg, Univ. Regensburg
Classification: Uncertain significance for Retinal dystrophy. Last evaluated: 2019-01-01. Review status: no assertion criteria provided. Criteria: ACMG Guidelines, 2015. Collection method: clinical testing. Allele origin: germline. Affected: yes. Not counted in ClinVar's aggregate classification.

NM_201253.3(CRB1):c.550G>A (p.Asp184Asn)

Gene: CRB1 (crumbs cell polarity complex component 1; plus strand). Cytogenetic location: 1q31.3.
Variant type: single nucleotide variant.
Coding change: c.550G>A on transcript NM_201253.3 (MANE Select); coding-DNA position 550, G replaced by A.
Protein change: p.Asp184Asn; replaces aspartic acid 184 with asparagine.
Molecular consequence: missense variant. On other transcripts: non-coding transcript variant (2).
Genome position (GRCh38, 1-based): chr1:197,328,901, G>A. VCF-style: chr1-197328901-G-A. GRCh37 (hg19) VCF-style: chr1-197298031-G-A.
Other names: c.550G>A, p.Asp184Asn (NM_001193640.2, NM_001257966.2); c.343G>A, p.Asp115Asn (NM_001257965.2); short protein forms D115N, D184N.
Identifiers: ClinVar variation 2153864 (VCV002153864.4), dbSNP rs780611058, ClinGen allele CA1311652.